The following is an entry in ClinVar:

NM_001042492.3(NF1):c.6407_6422del (p.Cys2136fs)

Gene: NF1 (neurofibromin 1; plus strand). Cytogenetic location: 17q11.2.
Variant type: Deletion.
Coding change: c.6407_6422del on transcript NM_001042492.3 (MANE Select); coding-DNA positions 6407 to 6422, 16 bases deleted (GTTCACAGCTTCATTT).
Protein change: p.Cys2136fs; shifts the reading frame from cysteine 2136.
Molecular consequence: frameshift variant.
Genome position (GRCh38, 1-based): chr17:31,336,894-31,336,909, GTTCACAGCTTCATTT deleted; deleting any 16 consecutive bases within chr17:31,336,892-31,336,909 gives the same sequence; the c. name uses the placement nearest the transcript's 3' end. VCF-style (leftmost placement, unchanged base first): chr17-31336891-CTTGTTCACAGCTTCAT-C. GRCh37 (hg19) VCF-style: chr17-29663909-CTTGTTCACAGCTTCAT-C.
Other names: c.6344_6359del16, p.Cys2115Leufs (NM_000267.4); short protein forms C2136fs, C2115fs.
Identifiers: ClinVar variation 1439840 (VCV001439840.6), dbSNP rs2151555120, ClinGen allele CA2573153831.

ClinVar aggregate classification (germline): Pathogenic (1 of 4 stars; one submission).

Conditions:
Neurofibromatosis, type 1 (NF1). Also called: Peripheral type neurofibromatosis; VON RECKLINGHAUSEN DISEASE; NEUROFIBROMATOSIS, TYPE I, SOMATIC; Neurofibromatosis, type I. Identifiers: Orphanet 636, MedGen C0027831, MONDO:0018975, OMIM 162200. Disease mechanism: loss of function.

Submission:

Labcorp Genetics (formerly Invitae), Labcorp
Classification: Pathogenic for Neurofibromatosis, type 1. Last evaluated: 2021-04-28. Review status: criteria provided, single submitter. Criteria: Invitae Variant Classification Sherloc (09022015). Collection method: clinical testing. Allele origin: germline.
Comment: This variant is not present in population databases (ExAC no frequency). For these reasons, this variant has been classified as Pathogenic. This variant has not been reported in the literature in individuals with NF1-related conditions. This sequence change creates a premature translational stop signal (p.Cys2115Leufs*9) in the NF1 gene. It is expected to result in an absent or disrupted protein product. Loss-of-function variants in NF1 are known to be pathogenic (PMID: 10712197, 23913538).

Literature cited by the submitters: PubMed 10712197; PubMed 23913538.